The following is an entry in ClinVar:

ClinVar aggregate classification (germline): Conflicting classifications of pathogenicity. Review status: criteria provided, conflicting classifications (1 of 4 stars). 2 submissions from 2 submitters: Uncertain significance (1); Likely benign (1). Last evaluated 2025-05-06.

Conditions:
Inborn genetic diseases. Identifiers: MedGen C0950123, MeSH D030342.

gnomAD v4.1: 21 of 1,613,952 alleles (0.0013%); highest among the groups gnomAD compares: East Asian, 0.022%; no homozygotes.

Submissions (2):

Ambry Genetics
Classification: Likely benign for Inborn genetic diseases. Last evaluated: 2025-05-06. Review status: criteria provided, single submitter. Criteria: Ambry Variant Classification Scheme 2023. Collection method: clinical testing. Allele origin: germline.

Labcorp Genetics (formerly Invitae), Labcorp
Classification: Uncertain significance. Last evaluated: 2024-04-02. Review status: criteria provided, single submitter. Criteria: Invitae Variant Classification Sherloc (09022015). Collection method: clinical testing. Allele origin: germline.
Comment: This sequence change replaces arginine, which is basic and polar, with histidine, which is basic and polar, at codon 183 of the TFRC protein (p.Arg183His). This variant is present in population databases (rs778329855, gnomAD 0.006%). This variant has not been reported in the literature in individuals affected with TFRC-related conditions. Advanced modeling of protein sequence and biophysical properties (such as structural, functional, and spatial information, amino acid conservation, physicochemical variation, residue mobility, and thermodynamic stability) performed at Invitae indicates that this missense variant is not expected to disrupt TFRC protein function with a negative predictive value of 80%. In summary, the available evidence is currently insufficient to determine the role of this variant in disease. Therefore, it has been classified as a Variant of Uncertain Significance.

NM_001128148.3(TFRC):c.548G>A (p.Arg183His)

Gene: TFRC (transferrin receptor; minus strand). Cytogenetic location: 3q29.
Variant type: single nucleotide variant.
Coding change: c.548G>A on transcript NM_001128148.3 (MANE Select); coding-DNA position 548, G replaced by A.
Protein change: p.Arg183His; replaces arginine 183 with histidine.
Molecular consequence: missense variant. On other transcripts: 5 prime UTR variant (1).
Genome position (GRCh38, 1-based): chr3:196,072,039, C>T on the plus strand (G>A on the coding strand, the complement: TFRC is on the minus strand). VCF-style: chr3-196072039-C-T. GRCh37 (hg19) VCF-style: chr3-195798910-C-T.
Other names: c.548G>A (NM_003234.2); c.305G>A, p.Arg102His (NM_001313965.2); c.-299G>A (NM_001313966.2); c.548G>A, p.Arg183His (NM_003234.4); short protein forms R102H, R183H.
Identifiers: ClinVar variation 3607517 (VCV003607517.3).